The following is an entry in ClinVar:

NM_006904.7(PRKDC):c.8993C>T (p.Ser2998Phe)

Gene: PRKDC (protein kinase, DNA-activated, catalytic subunit; minus strand). Cytogenetic location: 8q11.21.
Variant type: single nucleotide variant.
Coding change: c.8993C>T on transcript NM_006904.7 (MANE Select); coding-DNA position 8993, C replaced by T.
Protein change: p.Ser2998Phe; replaces serine 2998 with phenylalanine.
Molecular consequence: missense variant.
Genome position (GRCh38, 1-based): chr8:47,821,722, G>A on the plus strand (C>T on the coding strand, the complement: PRKDC is on the minus strand). VCF-style: chr8-47821722-G-A. GRCh37 (hg19) VCF-style: chr8-48734283-G-A.
Other names: c.8993C>T, p.Ser2998Phe (NM_001081640.2); short protein forms S2998F.
Identifiers: ClinVar variation 3425311 (VCV003425311.1).

ClinVar aggregate classification (germline): Uncertain significance (1 of 4 stars; one submission).

gnomAD v4.1: 1 of 1,599,634 alleles (0.000063%); highest among the groups gnomAD compares: Admixed American, 0.0017%; no homozygotes.

Submission:

Ambry Genetics
Classification: Uncertain significance. Last evaluated: 2024-08-28. Review status: criteria provided, single submitter. Criteria: Ambry Variant Classification Scheme 2023. Collection method: clinical testing. Allele origin: germline.
Comment: The p.S2998F variant (also known as c.8993C>T), located in coding exon 65 of the PRKDC gene, results from a C to T substitution at nucleotide position 8993. The serine at codon 2998 is replaced by phenylalanine, an amino acid with highly dissimilar properties. This amino acid position is conserved. Based on the available evidence, the clinical significance of this variant remains unclear.